The following is an entry in ClinVar:

ClinVar aggregate classification (germline): Uncertain significance (1 of 4 stars; one submission).

Submission:

CeGaT Center for Human Genetics Tuebingen
Classification: Uncertain significance. Last evaluated: 2022-03-01. Review status: criteria provided, single submitter. Criteria: CeGaT Center For Human Genetics Tuebingen Variant Classification Criteria Version 2. Collection method: clinical testing. Allele origin: germline. Affected: yes. Observed: 1 variant allele.
Comment: ANKRD11: PM2, BP4

NM_013275.6(ANKRD11):c.1354A>G (p.Asn452Asp)

Gene: ANKRD11 (ankyrin repeat domain 11; minus strand). Cytogenetic location: 16q24.3.
Variant type: single nucleotide variant.
Coding change: c.1354A>G on transcript NM_013275.6 (MANE Select); coding-DNA position 1354, A replaced by G.
Protein change: p.Asn452Asp; replaces asparagine 452 with aspartic acid.
Molecular consequence: missense variant.
Genome position (GRCh38, 1-based): chr16:89,285,188, T>C on the plus strand (A>G on the coding strand, the complement: ANKRD11 is on the minus strand). VCF-style: chr16-89285188-T-C. GRCh37 (hg19) VCF-style: chr16-89351596-T-C.
Other names: c.1354A>G, p.Asn452Asp (NM_001256182.2, NM_001256183.2); short protein forms N452D.
Identifiers: ClinVar variation 2647087 (VCV002647087.24), dbSNP rs2034562597, ClinGen allele CA397165138.